The following is an entry in ClinVar:

NM_002519.3(NPAT):c.2936A>G (p.Asn979Ser)

Gene: NPAT (nuclear protein, coactivator of histone transcription; minus strand). Cytogenetic location: 11q22.3.
Variant type: single nucleotide variant.
Coding change: c.2936A>G on transcript NM_002519.3 (MANE Select); coding-DNA position 2936, A replaced by G.
Protein change: p.Asn979Ser; replaces asparagine 979 with serine.
Molecular consequence: missense variant.
Genome position (GRCh38, 1-based): chr11:108,169,818, T>C on the plus strand (A>G on the coding strand, the complement: NPAT is on the minus strand). VCF-style: chr11-108169818-T-C. GRCh37 (hg19) VCF-style: chr11-108040545-T-C.
Other names: c.2936A>G, p.Asn979Ser (NM_001321307.1); short protein forms N979S.
Identifiers: ClinVar variation 1797862 (VCV001797862.2), dbSNP rs2496710827, ClinGen allele CA382511912.
Genomic context (GRCh38, chr11:108,169,818, plus strand): 5'-TTTCTTAGTCCCTGAGCCTTCTGAGATTTTGGAGGGACGGGGAATTGAGGGATACTTCTA[T>C]TGCATACAGGTGCTGTCAAAGGCATATGAAGAACCTGGAAGAGAAAAAGCCATTAATTAC-3'
Protein context (NP_002510.2, residues 969-989): LHMPLTAPVC[Asn979Ser]RSIPQFPVPP

ClinVar aggregate classification (germline): Uncertain significance (1 of 4 stars; one submission).

Submission:

Ambry Genetics
Classification: Uncertain significance. Last evaluated: 2022-03-18. Review status: criteria provided, single submitter. Criteria: Ambry Variant Classification Scheme 2023. Collection method: clinical testing. Allele origin: germline.
Comment: The p.N979S variant (also known as c.2936A>G), located in coding exon 15 of the NPAT gene, results from an A to G substitution at nucleotide position 2936. The asparagine at codon 979 is replaced by serine, an amino acid with highly similar properties. This amino acid position is conserved. In addition, this alteration is predicted to be tolerated by in silico analysis. Since supporting evidence is limited at this time, the clinical significance of this alteration remains unclear.